The following is an entry in ClinVar:

NM_014244.5(ADAMTS2):c.1912G>A (p.Asp638Asn)

Gene: ADAMTS2 (ADAM metallopeptidase with thrombospondin type 1 motif 2; minus strand). Cytogenetic location: 5q35.3.
Variant type: single nucleotide variant.
Coding change: c.1912G>A on transcript NM_014244.5 (MANE Select); coding-DNA position 1912, G replaced by A.
Protein change: p.Asp638Asn; replaces aspartic acid 638 with asparagine.
Molecular consequence: missense variant.
Genome position (GRCh38, 1-based): chr5:179,137,808, C>T on the plus strand (G>A on the coding strand, the complement: ADAMTS2 is on the minus strand). VCF-style: chr5-179137808-C-T. GRCh37 (hg19) VCF-style: chr5-178564809-C-T.
Other names: short protein forms D638N.
Identifiers: ClinVar variation 644198 (VCV000644198.6), dbSNP rs376707472, ClinGen allele CA3595746.

ClinVar aggregate classification (germline): Uncertain significance (1 of 4 stars; one submission).

Conditions:
Ehlers-Danlos syndrome, dermatosparaxis type. Also called: Ehlers-Danlos syndrome, type VII, autosomal recessive; Dermatosparaxis; EDS VIIC. Identifiers: Orphanet 1901, MedGen C2700425, MONDO:0009161, OMIM 225410.

Allele frequency attached by ClinVar (database versions not stated): gnomAD 0.00001; TOPMed 0.00003; gnomAD exomes 0.00007; ESP Exome Variant Server 0.00008; ExAC 0.00015.
gnomAD v4.1: 22 of 1,579,380 alleles (0.0014%); highest among the groups gnomAD compares: Admixed American, 0.016%; no homozygotes.

Submission:

Labcorp Genetics (formerly Invitae), Labcorp
Classification: Uncertain significance for Ehlers-Danlos syndrome, dermatosparaxis type. Last evaluated: 2021-09-01. Review status: criteria provided, single submitter. Criteria: Invitae Variant Classification Sherloc (09022015). Collection method: clinical testing. Allele origin: germline.
Comment: This sequence change replaces aspartic acid with asparagine at codon 638 of the ADAMTS2 protein (p.Asp638Asn). The aspartic acid residue is highly conserved and there is a small physicochemical difference between aspartic acid and asparagine. This variant is present in population databases (rs376707472, ExAC 0.2%). This variant has not been reported in the literature in individuals affected with ADAMTS2-related conditions. Algorithms developed to predict the effect of missense changes on protein structure and function output the following: SIFT: "Tolerated"; PolyPhen-2: "Benign"; Align-GVGD: "Class C0". The asparagine amino acid residue is found in multiple mammalian species, which suggests that this missense change does not adversely affect protein function. In summary, the available evidence is currently insufficient to determine the role of this variant in disease. Therefore, it has been classified as a Variant of Uncertain Significance.